The following is an entry in ClinVar:

ClinVar aggregate classification (germline): Pathogenic. Review status: criteria provided, multiple submitters, no conflicts (2 of 4 stars). 23 submissions from 21 submitters: Pathogenic (18). 5 of the submissions do not count toward it. Last evaluated 2026-04-29.

Conditions:
Citrin deficiency. Identifiers: Orphanet 247582, MedGen C1997910, MONDO:0016602.
CITRIN DEFICIENCY, NEONATAL ONSET.
Citrullinemia. Identifiers: Orphanet 187, MedGen C0175683, MONDO:0015991.
Citrullinemia type II. Also called: Citrullinemia Type II (CTLN2). Identifiers: Orphanet 247585, MedGen C1863844, MONDO:0016603.
Neonatal intrahepatic cholestasis due to citrin deficiency (CDNI). Also called: Neonatal-onset citrullinemia type II; Neonatal-onset citrullinemia type 2; CITRIN DEFICIENCY, NEONATAL OR INFANTILE ONSET; Neonatal Intrahepatic Cholestasis Caused by Citrin Deficiency (NICCD). Identifiers: Orphanet 247598, MedGen C1853942, MONDO:0011601, OMIM 605814.
SLC25A13-related disorder. Also called: SLC25A13-related condition.
Citrullinemia, type II, adult-onset (CDAA). Also called: CITRIN DEFICIENCY, ADOLESCENT OR ADULT ONSET. Identifiers: Orphanet 247585, MedGen CN295299, MONDO:0011326, OMIM 603471.

Submissions 1 to 14 of 24:

PreventionGenetics, part of Exact Sciences
Classification: Pathogenic for SLC25A13-related condition. Last evaluated: 2026-04-29. Review status: criteria provided, single submitter. Criteria: ACMG Guidelines, 2015. Collection method: clinical testing. Allele origin: germline.
Comment: The SLC25A13 c.852_855delTATG variant is predicted to result in a frameshift and premature protein termination (p.Met285Profs*2). This variant is commonly reported to be causative for citrin deficiency in Asian populations (see for examples: reported as 851del4, Kobayashi et al. 1999. PubMed ID: 10369257; reported as c.851_854del4, Lin et al. 2016. PubMed ID: 27405544). This variant is present in 0.46% of alleles in individuals of East Asian descent in gnomAD, indicating it is relatively common in this population. Frameshift variants in SLC25A13 are an established mechanism of disease. Given the evidence, we interpret this variant as pathogenic.

Labcorp Genetics (formerly Invitae), Labcorp
Classification: Pathogenic for Citrin deficiency. Last evaluated: 2026-02-02. Review status: criteria provided, single submitter. Criteria: Invitae Variant Classification Sherloc (09022015). Collection method: clinical testing. Allele origin: germline.
Comment: This sequence change creates a premature translational stop signal (p.Met285Profs*2) in the SLC25A13 gene. It is expected to result in an absent or disrupted protein product. Loss-of-function variants in SLC25A13 are known to be pathogenic (PMID: 10369257, 14680984, 27405544). This variant is present in population databases (rs569808959, gnomAD 0.5%). This premature translational stop signal has been observed in individual(s) with citrin deficiency (PMID: 10369257, 12512993, 23022256, 23067347, 26852511, 27347070, 27405544, 27577219, 27578510). It has also been observed to segregate with disease in related individuals. This variant is also known as c.851del4. ClinVar contains an entry for this variant (Variation ID: 225472). For these reasons, this variant has been classified as Pathogenic.

Medical and Scientific Branch, Hong Kong Genome Institute
Classification: Pathogenic for Citrullinemia, type II, adult-onset. Last evaluated: 2026-01-26. Review status: criteria provided, single submitter. Criteria: ACMG Guidelines, 2015. Collection method: clinical testing. Allele origin: biparental. Affected: yes.

3billion
Classification: Pathogenic for Neonatal intrahepatic cholestasis due to citrin deficiency. Last evaluated: 2025-12-24. Review status: criteria provided, single submitter. Criteria: ACMG Guidelines, 2015. Collection method: clinical testing. Allele origin: germline. Affected: yes.
Comment: The variant is observed at an extremely low frequency in the gnomAD v4.1.0 dataset (total allele frequency: 0.011%). Predicted Consequence/Location: Frameshift: predicted to result in a loss or disruption of normal protein function through nonsense-mediated decay (NMD) or protein truncation. Multiple pathogenic variants are reported downstream of the variant. The variant has been reported at least twice as pathogenic with clinical assertions and evidence for the classification (ClinVar ID: VCV000225472 /PMID: 10369257 /3billion dataset). Therefore, this variant is classified as Pathogenic according to the recommendation of ACMG/AMP guideline.

Natera, Inc.
Classification: Pathogenic for Citrullinemia. Last evaluated: 2025-12-01. Review status: criteria provided, single submitter. Criteria: Natera Variant Classification Schema (03/2026). Collection method: clinical testing. Allele origin: germline.
Comment: The c.852_855delTATG variant in SLC25A13 is a frameshift variant predicted to shift the reading frame beginning at codon 285 and leads to a stop codon 2 codons downstream. This variant is expected to result in nonsense mediated decay, truncation, or a dysfunctional protein product. This variant is rare in the general population with a frequency below the threshold expected for the associated phenotype(s). This variant has been observed in one or more individuals affected with the associated recessive disease, as either homozygous or compound heterozygous with a second variant (PMID: 30181955). Given the available evidence, this variant is classified as Pathogenic.

First Genomix Gene Laboratory, Genetic Diagnostics Department
Classification: Pathogenic for Citrullinemia, type II, adult-onset; Neonatal intrahepatic cholestasis due to citrin deficiency. Last evaluated: 2025-03-19. Review status: criteria provided, single submitter. Criteria: ACMG Guidelines, 2015. Collection method: clinical testing. Allele origin: germline. Inheritance: Autosomal recessive inheritance. Affected: no. Observed: 1 variant allele.

Blueprint Genetics
Classification: Pathogenic for SLC25A13-related disorders. Last evaluated: 2024-09-17. Review status: criteria provided, single submitter. Criteria: ACMG Guidelines, 2015. Collection method: clinical testing. Allele origin: germline. Affected: yes. Observed: 5 variant alleles.

Fulgent Genetics
Classification: Pathogenic for Citrullinemia, type II, adult-onset; Neonatal intrahepatic cholestasis due to citrin deficiency. Last evaluated: 2024-04-08. Review status: criteria provided, single submitter. Criteria: ACMG Guidelines, 2015. Collection method: clinical testing. Allele origin: germline.

Baylor Genetics
Classification: Pathogenic for Citrullinemia, type II, adult-onset. Last evaluated: 2024-03-30. Review status: criteria provided, single submitter. Criteria: ACMG Guidelines, 2015. Collection method: clinical testing. Allele origin: unknown.

Revvity Omics, Revvity
Classification: Pathogenic. Last evaluated: 2023-07-13. Review status: criteria provided, single submitter. Criteria: ACMG Guidelines, 2015. Collection method: clinical testing. Allele origin: germline.

Genesolutions, Medical Genetics Institutes, Ho Chi Minh City, Vietnam
Classification: Pathogenic for Neonatal intrahepatic cholestasis due to citrin deficiency. Last evaluated: 2022-06-30. Review status: criteria provided, single submitter. Criteria: ACMG Guidelines, 2015. Collection method: clinical testing. Allele origin: germline. Affected: yes.

Women's Health and Genetics/Laboratory Corporation of America, LabCorp
Classification: Pathogenic for Citrullinemia type II. Last evaluated: 2022-05-09. Review status: criteria provided, single submitter. Criteria: LabCorp Variant Classification Summary - May 2015. Collection method: clinical testing. Allele origin: germline.
Comment: Variant summary: SLC25A13 c.852_855delTATG (p.Met285ProfsX2) results in a premature termination codon, predicted to cause a truncation of the encoded protein or absence of the protein due to nonsense mediated decay, which are commonly known mechanisms for disease. The variant allele was found at a frequency of 0.00033 in 251422 control chromosomes. This frequency is not significantly higher than estimated for a pathogenic variant in SLC25A13 causing Citrullinemia Type II (0.00033 vs 0.0011), allowing no conclusion about variant significance. c.852_855delTATG has been widely reported in the literature in multiple individuals affected with Citrullinemia Type II (example, Zong Song_2011). These data indicate that the variant is very likely to be associated with disease. Seven clinical diagnostic laboratories have submitted clinical-significance assessments for this variant to ClinVar after 2014 without evidence for independent evaluation. All laboratories classified the variant as pathogenic. Based on the evidence outlined above, the variant was classified as pathogenic.

GeneDx
Classification: Pathogenic. Last evaluated: 2020-02-25. Review status: criteria provided, single submitter. Criteria: GeneDx Variant Classification Process June 2021. Collection method: clinical testing. Allele origin: germline. Affected: yes.
Comment: Frameshift variant predicted to result in protein truncation or nonsense mediated decay in a gene for which loss-of-function is a known mechanism of disease; This variant is associated with the following publications: (PMID: 26852511, 27779681, 23022256, 19470249, 17880783, 10369257, 27405544, 12512993, 27347070, 27577219, 29659898, 26858187, 29152073, 29651749, 30591617, 29961769, 16059747, 31620407, 31607264, 29625052, 31845334, 26689913, 33817322, 34426522, 33627582, 31589614, 32289814, 33763395, 33176737, 28981931, 33497767, 33611823)

Eurofins Ntd Llc (ga)
Classification: Pathogenic. Last evaluated: 2017-09-29. Review status: criteria provided, single submitter. Criteria: EGL Classification Definitions 2015. Collection method: clinical testing. Allele origin: germline. Observed: 5 variant alleles, 3 heterozygotes, 2 homozygotes.

NM_014251.3(SLC25A13):c.852_855del (p.Met285fs)

Gene: SLC25A13 (solute carrier family 25 member 13; minus strand). Cytogenetic location: 7q21.3.
Variant type: Deletion.
Coding change: c.852_855del on transcript NM_014251.3 (MANE Select); coding-DNA positions 852 to 855, 4 bases deleted (TATG; older notation c.852_855delTATG).
Protein change: p.Met285fs; shifts the reading frame from methionine 285.
Molecular consequence: frameshift variant. On other transcripts: non-coding transcript variant (1).
Genome position (GRCh38, 1-based): chr7:96,189,372-96,189,375, CATA deleted on the plus strand (TATG on the coding strand, the reverse complement: SLC25A13 is on the minus strand); deleting any 4 consecutive bases within chr7:96,189,372-96,189,376 gives the same sequence; the c. name uses the placement nearest the transcript's 3' end. VCF-style (leftmost placement, unchanged base first): chr7-96189371-TCATA-T. GRCh37 (hg19) VCF-style: chr7-95818683-TCATA-T.
Other names: 851del4; NC_000007.13:g.95818685_95818688del; c.852_855delTATG (NM_014251.2, NM_014251.3); c.852_855del, p.Met285fs (NM_001160210.2); short protein forms M285fs.
Identifiers: ClinVar variation 225472 (VCV000225472.71), dbSNP rs80338720, ClinGen allele CA253673.
Genomic context (GRCh38, chr7:96,189,371, plus strand): 5'-CCAAGTTAAAGGGCAGAGTTCCCTCTTCCAGAGGAGCAATCCGTTCAATGTCTGCTAAGG[TCATA>T]CGTCTGTAGGGGAAAAACAAACACAAGCAACAAATATACCAATTTATTACAATTTACATT-3'